The following is an entry in ClinVar:

ClinVar aggregate classification (germline): Uncertain significance. Review status: criteria provided, multiple submitters, no conflicts (2 of 4 stars). 3 submissions from 3 submitters: Uncertain significance (2). 1 of the submissions does not count toward it. Last evaluated 2024-07-09.

Conditions:
Fanconi anemia (FA). Also called: Fanconi's anemia. Identifiers: Orphanet 84, MedGen C0015625, MeSH D005199, MONDO:0019391.
Fanconi anemia complementation group G. Also called: Fanconi anemia group G; FANCG-Related Fanconi Anemia. Identifiers: Orphanet 84, MedGen C3469527, MONDO:0013565, OMIM 614082.

Allele frequency attached by ClinVar (database versions not stated): gnomAD 0.00001; gnomAD exomes 0.00002 and 0.00005; TOPMed 0.00002; ExAC 0.00003; 1000 Genomes Project 30x 0.00016; 1000 Genomes Project 0.00020.
gnomAD v4.1: 34 of 1,614,092 alleles (0.0021%); highest among the groups gnomAD compares: Middle Eastern, 0.033%; no homozygotes.

Submissions (3):

Labcorp Genetics (formerly Invitae), Labcorp
Classification: Uncertain significance for Fanconi anemia. Last evaluated: 2024-07-09. Review status: criteria provided, single submitter. Criteria: Invitae Variant Classification Sherloc (09022015). Collection method: clinical testing. Allele origin: germline.
Comment: This sequence change replaces glycine, which is neutral and non-polar, with glutamic acid, which is acidic and polar, at codon 59 of the FANCG protein (p.Gly59Glu). This variant is present in population databases (rs538555981, gnomAD 0.03%). This variant has not been reported in the literature in individuals affected with FANCG-related conditions. ClinVar contains an entry for this variant (Variation ID: 134363). An algorithm developed to predict the effect of missense changes on protein structure and function (PolyPhen-2) suggests that this variant is likely to be disruptive. In summary, the available evidence is currently insufficient to determine the role of this variant in disease. Therefore, it has been classified as a Variant of Uncertain Significance.

Fulgent Genetics
Classification: Uncertain significance for Fanconi anemia complementation group G. Last evaluated: 2024-02-22. Review status: criteria provided, single submitter. Criteria: ACMG Guidelines, 2015. Collection method: clinical testing. Allele origin: germline.

ITMI
No classification provided. Condition: AllHighlyPenetrant. Last evaluated: 2013-09-19. Review status: no classification provided. Collection method: reference population. Allele origin: germline. Not counted in ClinVar's aggregate classification.
Comment: Please see associated publication for description of ethnicities

Literature cited by the submitters: PubMed 24728327 (cited by ITMI).

NM_004629.2(FANCG):c.176G>A (p.Gly59Glu)

Gene: FANCG (FA complementation group G; minus strand). Cytogenetic location: 9p13.3.
Variant type: single nucleotide variant.
Coding change: c.176G>A on transcript NM_004629.2 (MANE Select); coding-DNA position 176, G replaced by A.
Protein change: p.Gly59Glu; replaces glycine 59 with glutamic acid.
Molecular consequence: missense variant.
Genome position (GRCh38, 1-based): chr9:35,078,736, C>T on the plus strand (G>A on the coding strand, the complement: FANCG is on the minus strand). VCF-style: chr9-35078736-C-T. GRCh37 (hg19) VCF-style: chr9-35078733-C-T.
Other names: short protein forms G59E.
Identifiers: ClinVar variation 134363 (VCV000134363.5), dbSNP rs538555981, ClinGen allele CA159604.